The following is an entry in ClinVar:

ClinVar aggregate classification (germline): Uncertain significance (1 of 4 stars; one submission).

Conditions:
Dilated cardiomyopathy 1NN. Identifiers: Orphanet 154, MedGen C4014656, MONDO:0014396, OMIM 615916.
LEOPARD syndrome 2 (LPRD2). Also called: RAF1-Related LEOPARD Syndrome. Identifiers: Orphanet 500, MedGen C1969056, MONDO:0012691, OMIM 611554.
Noonan syndrome 5 (NS5). Also called: RAF1-Related Noonan Syndrome. Identifiers: Orphanet 648, MedGen C1969057, MONDO:0012690, OMIM 611553. Disease mechanism: gain of function.

Submission:

Center for Genomics, Ann and Robert H. Lurie Children's Hospital of Chicago
Classification: Uncertain significance for Dilated cardiomyopathy 1NN; Noonan syndrome 5; LEOPARD syndrome 2. Review status: criteria provided, single submitter. Criteria: ACMG Guidelines, 2015. Collection method: clinical testing. Allele origin: germline.
Comment: RAF1 NM_002880.3 exon 2 p.Thr54Lys (c.161C>A): This variant has not been reported in the literature and is not present in large control databases. Evolutionary conservation and computational predictive tools for this variant are unclear. In summary, data on this variant is insufficient for disease classification. Therefore, the clinical significance of this variant is uncertain

NM_002880.4(RAF1):c.161C>A (p.Thr54Lys)

Gene: RAF1 (Raf-1 proto-oncogene, serine/threonine kinase; minus strand). Cytogenetic location: 3p25.2.
Variant type: single nucleotide variant.
Coding change: c.161C>A on transcript NM_002880.4 (MANE Select); coding-DNA position 161, C replaced by A.
Protein change: p.Thr54Lys; replaces threonine 54 with lysine.
Molecular consequence: missense variant. On other transcripts: non-coding transcript variant (3).
Genome position (GRCh38, 1-based): chr3:12,618,561, G>T on the plus strand (C>A on the coding strand, the complement: RAF1 is on the minus strand). VCF-style: chr3-12618561-G-T. GRCh37 (hg19) VCF-style: chr3-12660060-G-T.
Other names: c.161C>A, p.Thr54Lys (NM_001354689.3, NM_001354690.3, NM_001354693.3); c.31C>A, p.Gln11Lys (NM_001354691.3, NM_001354692.3, NM_001354694.3 and 1 more transcripts); short protein forms Q11K, T54K.
Identifiers: ClinVar variation 1675117 (VCV001675117.3), dbSNP rs754798801, ClinGen allele CA351484946.